The following is an entry in ClinVar:

ClinVar aggregate classification (germline): Uncertain significance (1 of 4 stars; one submission).

Conditions:
Cardiomyopathy (CMYO). Also called: Cardiomyopathies. Identifiers: Orphanet 167848, MedGen C0878544, MONDO:0004994, HP:0001638. Inheritance: Various modes of inheritance.

Submission:

Color Diagnostics, LLC DBA Color Health
Classification: Uncertain significance for Cardiomyopathy. Last evaluated: 2019-10-01. Review status: criteria provided, single submitter. Criteria: ACMG Guidelines, 2015. Collection method: clinical testing. Allele origin: germline.
Comment: This missense variant replaces glycine with alanine at codon 570 of the RYR2 protein. Computational prediction tool suggests that this variant may have deleterious impact on protein structure and function (internally defined REVEL score threshold ≥0.7, PMID: 27666373). Splice site prediction tools suggest that this variant may not impact RNA splicing. To our knowledge, functional studies have not been performed for this variant. This variant has not been reported in individuals affected with cardiovascular disorders in the literature. This variant has not been identified in the general population by the Genome Aggregation Database (gnomAD). The available evidence is insufficient to determine the role of this variant in disease conclusively. Therefore, this variant is classified as a Variant of Uncertain Significance.

NM_001035.3(RYR2):c.1709G>C (p.Gly570Ala)

Gene: RYR2 (ryanodine receptor 2; plus strand). Cytogenetic location: 1q43.
Variant type: single nucleotide variant.
Coding change: c.1709G>C on transcript NM_001035.3 (MANE Select); coding-DNA position 1709, G replaced by C.
Protein change: p.Gly570Ala; replaces glycine 570 with alanine.
Molecular consequence: missense variant.
Genome position (GRCh38, 1-based): chr1:237,491,806, G>C. VCF-style: chr1-237491806-G-C. GRCh37 (hg19) VCF-style: chr1-237655106-G-C.
Other names: short protein forms G570A.
Identifiers: ClinVar variation 922097 (VCV000922097.3), dbSNP rs1663381527, ClinGen allele CA345387803.